The following is an entry in ClinVar:

ClinVar aggregate classification (germline): Uncertain significance. Review status: criteria provided, multiple submitters, no conflicts (2 of 4 stars). 3 submissions from 3 submitters: Uncertain significance (3). Last evaluated 2025-05-02.

Conditions:
Hereditary cancer-predisposing syndrome. Also called: Neoplastic Syndromes, Hereditary; Tumor predisposition; Hereditary Cancer Syndrome; Hereditary neoplastic syndrome. Identifiers: Orphanet 140162, MedGen C0027672, MeSH D009386, MONDO:0015356.
Familial cancer of breast. Also called: BREAST CANCER, FAMILIAL; Hereditary breast cancer; hereditary breast carcinoma. Identifiers: Orphanet 227535, MedGen C0346153, MONDO:0016419, OMIM 114480. Disease mechanism: loss of function.

Allele frequency attached by ClinVar (database versions not stated): gnomAD exomes below 0.00001.

Submissions (3):

Labcorp Genetics (formerly Invitae), Labcorp
Classification: Uncertain significance for Familial cancer of breast. Last evaluated: 2025-05-02. Review status: criteria provided, single submitter. Criteria: Invitae Variant Classification Sherloc (09022015). Collection method: clinical testing. Allele origin: germline.
Comment: This sequence change replaces proline, which is neutral and non-polar, with leucine, which is neutral and non-polar, at codon 569 of the BARD1 protein (p.Pro569Leu). This variant is not present in population databases (gnomAD no frequency). This variant has not been reported in the literature in individuals affected with BARD1-related conditions. ClinVar contains an entry for this variant (Variation ID: 924573). An algorithm developed to predict the effect of missense changes on protein structure and function (PolyPhen-2) suggests that this variant is likely to be disruptive. In summary, the available evidence is currently insufficient to determine the role of this variant in disease. Therefore, it has been classified as a Variant of Uncertain Significance.

Ambry Genetics
Classification: Uncertain significance for Hereditary cancer-predisposing syndrome. Last evaluated: 2024-07-30. Review status: criteria provided, single submitter. Criteria: Ambry Variant Classification Scheme 2023. Collection method: clinical testing. Allele origin: germline.
Comment: The p.P569L variant (also known as c.1706C>T), located in coding exon 8 of the BARD1 gene, results from a C to T substitution at nucleotide position 1706. The proline at codon 569 is replaced by leucine, an amino acid with similar properties. This amino acid position is highly conserved in available vertebrate species. In addition, the in silico prediction for this alteration is inconclusive. Since supporting evidence is limited at this time, the clinical significance of this alteration remains unclear.

Color Diagnostics, LLC DBA Color Health
Classification: Uncertain significance for Hereditary cancer-predisposing syndrome. Last evaluated: 2024-03-06. Review status: criteria provided, single submitter. Criteria: ACMG Guidelines, 2015. Collection method: clinical testing. Allele origin: germline.
Comment: This missense variant replaces proline with leucine at codon 569 of the BARD1 protein. Computational prediction suggests that this variant may not impact protein structure and function (internally defined REVEL score threshold <= 0.5, PMID: 27666373). To our knowledge, functional studies have not been reported for this variant. This variant has not been reported in individuals affected with hereditary cancer in the literature. This variant has not been identified in the general population by the Genome Aggregation Database (gnomAD). The available evidence is insufficient to determine the role of this variant in disease conclusively. Therefore, this variant is classified as a Variant of Uncertain Significance.

NM_000465.4(BARD1):c.1706C>T (p.Pro569Leu)

Gene: BARD1 (BRCA1 associated RING domain 1; minus strand). Cytogenetic location: 2q35.
Variant type: single nucleotide variant.
Coding change: c.1706C>T on transcript NM_000465.4 (MANE Select); coding-DNA position 1706, C replaced by T.
Protein change: p.Pro569Leu; replaces proline 569 with leucine.
Molecular consequence: missense variant. On other transcripts: non-coding transcript variant (3), intron variant (1).
Genome position (GRCh38, 1-based): chr2:214,745,826, G>A on the plus strand (C>T on the coding strand, the complement: BARD1 is on the minus strand). VCF-style: chr2-214745826-G-A. GRCh37 (hg19) VCF-style: chr2-215610550-G-A.
Other names: c.1649C>T, p.Pro550Leu (NM_001282543.2); c.353C>T, p.Pro118Leu (NM_001282545.2); c.296C>T, p.Pro99Leu (NM_001282548.2); c.365-15318C>T (NM_001282549.2); c.1706C>T (NM_000465.2); short protein forms P118L, P550L, P99L, P569L.
Identifiers: ClinVar variation 924573 (VCV000924573.11), dbSNP rs1693085872, ClinGen allele CA350453230.
Genomic context (GRCh38, chr2:214,745,826, plus strand): 5'-GCAAGCTCACTGAGCATTTTCTGTTGTTCTGAAGACAGCCCACTGCCTATAAGTACAAGA[G>A]GTCCATCCCTACGCTGCCCAGTGTTCATCTGTTAATATAAAAGGAGATACCAGTGTTAAA-3'
Protein context (NP_000456.2, residues 559-579): VMNTGQRRDG[Pro569Leu]LVLIGSGLSS